The following is an entry in ClinVar:

ClinVar aggregate classification (germline): Conflicting classifications of pathogenicity. Review status: criteria provided, conflicting classifications (1 of 4 stars). 2 submissions from 2 submitters: Uncertain significance (1); Likely benign (1). Last evaluated 2025-07-08.

Conditions:
Inborn genetic diseases. Identifiers: MedGen C0950123, MeSH D030342.

Allele frequency attached by ClinVar (database versions not stated): ExAC 0.00042; 1000 Genomes Project 30x 0.00047; ESP Exome Variant Server 0.00062; gnomAD 0.00067; 1000 Genomes Project 0.00040.
gnomAD v4.1: 1,566 of 1,613,020 alleles (0.097%); highest among the groups gnomAD compares: Non-Finnish European, 0.12%; 1 homozygote.

Submissions (2):

Ambry Genetics
Classification: Likely benign for Inborn genetic diseases. Last evaluated: 2025-07-08. Review status: criteria provided, single submitter. Criteria: Ambry Variant Classification Scheme 2023. Collection method: clinical testing. Allele origin: germline.

Labcorp Genetics (formerly Invitae), Labcorp
Classification: Uncertain significance. Last evaluated: 2024-11-11. Review status: criteria provided, single submitter. Criteria: Invitae Variant Classification Sherloc (09022015). Collection method: clinical testing. Allele origin: germline.
Comment: This sequence change replaces alanine, which is neutral and non-polar, with threonine, which is neutral and polar, at codon 322 of the COLGALT1 protein (p.Ala322Thr). This variant is present in population databases (rs142395967, gnomAD 0.09%), and has an allele count higher than expected for a pathogenic variant. This variant has not been reported in the literature in individuals affected with COLGALT1-related conditions. ClinVar contains an entry for this variant (Variation ID: 2049079). Invitae Evidence Modeling of protein sequence and biophysical properties (such as structural, functional, and spatial information, amino acid conservation, physicochemical variation, residue mobility, and thermodynamic stability) indicates that this missense variant is not expected to disrupt COLGALT1 protein function with a negative predictive value of 80%. In summary, the available evidence is currently insufficient to determine the role of this variant in disease. Therefore, it has been classified as a Variant of Uncertain Significance.

NM_024656.4(COLGALT1):c.964G>A (p.Ala322Thr)

Gene: COLGALT1 (collagen beta(1-O)galactosyltransferase 1; plus strand). Cytogenetic location: 19p13.11.
Variant type: single nucleotide variant.
Coding change: c.964G>A on transcript NM_024656.4 (MANE Select); coding-DNA position 964, G replaced by A.
Protein change: p.Ala322Thr; replaces alanine 322 with threonine.
Molecular consequence: missense variant.
Genome position (GRCh38, 1-based): chr19:17,577,209, G>A. VCF-style: chr19-17577209-G-A. GRCh37 (hg19) VCF-style: chr19-17688018-G-A.
Other names: short protein forms A322T.
Identifiers: ClinVar variation 2049079 (VCV002049079.4), dbSNP rs142395967, ClinGen allele CA9297124.